The following is an entry in ClinVar:

NM_001414.4(EIF2B1):c.*426G>C

Gene: EIF2B1 (eukaryotic translation initiation factor 2B subunit alpha; minus strand). Cytogenetic location: 12q24.31.
Variant type: single nucleotide variant.
Coding change: c.*426G>C on transcript NM_001414.4 (MANE Select); 426 bases downstream of the stop codon, G replaced by C.
Molecular consequence: 3 prime UTR variant.
Genome position (GRCh38, 1-based): chr12:123,621,330, C>G on the plus strand (G>C on the coding strand, the complement: EIF2B1 is on the minus strand). VCF-style: chr12-123621330-C-G. GRCh37 (hg19) VCF-style: chr12-124105877-C-G.
Identifiers: ClinVar variation 307519 (VCV000307519.5), dbSNP rs113041500, ClinGen allele CA10632182.

ClinVar aggregate classification (germline): Benign (1 of 4 stars; one submission).

Conditions:
Vanishing white matter disease. Also called: CACH syndrome; Childhood ataxia with diffuse central nervous system hypomyelination; Leukoencephalopathy with vanishing white matter; CACH/VWM syndrome; Cree leukoencehalopathy. Identifiers: Orphanet 135, Orphanet 99853, MedGen C1858991, MONDO:0800448.

Allele frequency attached by ClinVar (database versions not stated): gnomAD exomes 0.00196; 1000 Genomes Project 0.01518; 1000 Genomes Project 30x 0.01530; gnomAD 0.01555 and 0.01648; TOPMed 0.01770.
gnomAD v4.1: 2,607 of 284,220 alleles (0.92%); highest among the groups gnomAD compares: African/African-American, 5.3%; 66 homozygotes.

Submission:

Illumina Laboratory Services, Illumina
Classification: Benign for Leukoencephalopathy with vanishing white matter 1. Last evaluated: 2018-01-12. Review status: criteria provided, single submitter. Criteria: ICSL Variant Classification Criteria 13 December 2019. Collection method: clinical testing. Allele origin: germline.
Comment: This variant was observed in the ICSL laboratory as part of a predisposition screen in an ostensibly healthy population. It had not been previously curated by ICSL or reported in the Human Gene Mutation Database (HGMD: prior to June 1st, 2018), and was therefore a candidate for classification through an automated scoring system. Utilizing variant allele frequency, disease prevalence and penetrance estimates, and inheritance mode, an automated score was calculated to assess if this variant is too frequent to cause the disease. Based on the score and internal cut-off values, a variant classified as benign is not then subjected to further curation. The score for this variant resulted in a classification of benign for this disease.